The following is an entry in ClinVar:

NM_172364.5(CACNA2D4):c.98G>T (p.Arg33Leu)

Gene: CACNA2D4 (calcium voltage-gated channel auxiliary subunit alpha2delta 4; minus strand). Cytogenetic location: 12p13.33.
Variant type: single nucleotide variant.
Coding change: c.98G>T on transcript NM_172364.5 (MANE Select); coding-DNA position 98, G replaced by T.
Protein change: p.Arg33Leu; replaces arginine 33 with leucine.
Molecular consequence: missense variant.
Genome position (GRCh38, 1-based): chr12:1,918,376, C>A on the plus strand (G>T on the coding strand, the complement: CACNA2D4 is on the minus strand). VCF-style: chr12-1918376-C-A. GRCh37 (hg19) VCF-style: chr12-2027542-C-A.
Other names: c.98G>T (NM_172364.4); short protein forms R33L.
Identifiers: ClinVar variation 1491511 (VCV001491511.10), dbSNP rs369668064, ClinGen allele CA6387683.

ClinVar aggregate classification (germline): Uncertain significance. Review status: criteria provided, multiple submitters, no conflicts (2 of 4 stars). 3 submissions from 3 submitters: Uncertain significance (3). Last evaluated 2025-05-12.

Conditions:
Inborn genetic diseases. Identifiers: MedGen C0950123, MeSH D030342.

Allele frequency attached by ClinVar (database versions not stated): 1000 Genomes Project 30x 0.00016; 1000 Genomes Project 0.00020; ESP Exome Variant Server 0.00025.
gnomAD v4.1: 79 of 1,603,588 alleles (0.0049%); highest among the groups gnomAD compares: African/African-American, 0.015%; no homozygotes.

Submissions (3):

Labcorp Genetics (formerly Invitae), Labcorp
Classification: Uncertain significance. Last evaluated: 2025-05-12. Review status: criteria provided, single submitter. Criteria: Invitae Variant Classification Sherloc (09022015). Collection method: clinical testing. Allele origin: germline.
Comment: This sequence change replaces arginine, which is basic and polar, with leucine, which is neutral and non-polar, at codon 33 of the CACNA2D4 protein (p.Arg33Leu). This variant is present in population databases (rs369668064, gnomAD 0.01%). This variant has not been reported in the literature in individuals affected with CACNA2D4-related conditions. ClinVar contains an entry for this variant (Variation ID: 1491511). An algorithm developed to predict the effect of missense changes on protein structure and function (PolyPhen-2) suggests that this variant is likely to be tolerated. In summary, the available evidence is currently insufficient to determine the role of this variant in disease. Therefore, it has been classified as a Variant of Uncertain Significance.

Ambry Genetics
Classification: Uncertain significance for Inborn genetic diseases. Last evaluated: 2024-06-28. Review status: criteria provided, single submitter. Criteria: Ambry Variant Classification Scheme 2023. Collection method: clinical testing. Allele origin: germline.

Blueprint Genetics
Classification: Uncertain significance. Last evaluated: 2024-04-10. Review status: criteria provided, single submitter. Criteria: ACMG Guidelines, 2015. Collection method: clinical testing. Allele origin: germline.